The following is an entry in ClinVar:

NM_004187.5(KDM5C):c.1903C>T (p.Arg635Trp)

Gene: KDM5C (lysine demethylase 5C; minus strand). Cytogenetic location: Xp11.22.
Variant type: single nucleotide variant.
Coding change: c.1903C>T on transcript NM_004187.5 (MANE Select); coding-DNA position 1903, C replaced by T.
Protein change: p.Arg635Trp; replaces arginine 635 with tryptophan.
Molecular consequence: missense variant. On other transcripts: non-coding transcript variant (3).
Genome position (GRCh38, 1-based): chrX:53,201,708, G>A on the plus strand (C>T on the coding strand, the complement: KDM5C is on the minus strand). VCF-style: chrX-53201708-G-A. GRCh37 (hg19) VCF-style: chrX-53230890-G-A.
Other names: c.1702C>T, p.Arg568Trp (NM_001146702.2); c.1900C>T, p.Arg634Trp (NM_001282622.3, NM_001353979.2, NM_001353982.2); c.1903C>T, p.Arg635Trp (NM_001353978.3, NM_001353981.2, NM_001353984.2); short protein forms R568W, R634W, R635W.
Identifiers: ClinVar variation 1801202 (VCV001801202.1), dbSNP rs1556841843, ClinGen allele CA413123774.

ClinVar aggregate classification (germline): Uncertain significance (1 of 4 stars; one submission).

Submission:

GeneDx
Classification: Uncertain significance. Last evaluated: 2022-05-23. Review status: criteria provided, single submitter. Criteria: GeneDx Variant Classification Process June 2021. Collection method: clinical testing. Allele origin: germline. Affected: yes.
Comment: In silico analysis supports that this missense variant has a deleterious effect on protein structure/function; Has not been previously published as pathogenic or benign to our knowledge